The following is an entry in ClinVar:

NM_003718.5(CDK13):c.1700A>G (p.Glu567Gly)

Gene: CDK13 (cyclin dependent kinase 13; plus strand). Cytogenetic location: 7p14.1.
Variant type: single nucleotide variant.
Coding change: c.1700A>G on transcript NM_003718.5 (MANE Select); coding-DNA position 1700, A replaced by G.
Protein change: p.Glu567Gly; replaces glutamic acid 567 with glycine.
Molecular consequence: missense variant.
Genome position (GRCh38, 1-based): chr7:39,988,087, A>G. VCF-style: chr7-39988087-A-G. GRCh37 (hg19) VCF-style: chr7-40027686-A-G.
Other names: c.1700A>G, p.Glu567Gly (NM_031267.4); short protein forms E567G.
Identifiers: ClinVar variation 2202989 (VCV002202989.8), dbSNP rs770369397, ClinGen allele CA4228544.

ClinVar aggregate classification (germline): Benign/Likely benign. Review status: criteria provided, multiple submitters, no conflicts (2 of 4 stars). 3 submissions from 3 submitters: Benign (1); Likely benign (2). Last evaluated 2026-02-01.

Conditions:
Inborn genetic diseases. Identifiers: MedGen C0950123, MeSH D030342.

Allele frequency attached by ClinVar (database versions not stated): gnomAD exomes 0.00001; ExAC 0.00002; gnomAD 0.00002; TOPMed 0.00006.
gnomAD v4.1: 19 of 1,614,052 alleles (0.0012%); highest among the groups gnomAD compares: Admixed American, 0.028%; 1 homozygote.

Submissions (3):

CeGaT Center for Human Genetics Tuebingen
Classification: Likely benign. Last evaluated: 2026-02-01. Review status: criteria provided, single submitter. Criteria: CeGaT Center For Human Genetics Tuebingen Variant Classification Criteria Version 2. Collection method: clinical testing. Allele origin: germline. Affected: yes. Observed: 1 variant allele.
Comment: CDK13: BP4, BS2

Ambry Genetics
Classification: Likely benign for Inborn genetic diseases. Last evaluated: 2026-01-21. Review status: criteria provided, single submitter. Criteria: Ambry Variant Classification Scheme 2023. Collection method: clinical testing. Allele origin: germline.

Labcorp Genetics (formerly Invitae), Labcorp
Classification: Benign. Last evaluated: 2025-09-16. Review status: criteria provided, single submitter. Criteria: Invitae Variant Classification Sherloc (09022015). Collection method: clinical testing. Allele origin: germline.